The following is an entry in ClinVar:

ClinVar aggregate classification (germline): Uncertain significance (0 of 4 stars; one submission).

Conditions:
Carcinoma of colon (CRC). Also called: Colonic carcinoma; Colon carcinoma. Identifiers: MedGen C0699790, MONDO:0002032.

Submission:

Immunobiology Lab; University of Kashmir
Classification: Uncertain significance for Carcinoma of colon. Last evaluated: 2015-01-24. Review status: no assertion criteria provided. Collection method: case-control. Allele origin: somatic. Affected: yes. Study: Mutational Hotspot profiling of Tyrosine Kinase domain of VEGF receptors in Human colorectal tumors.
Comment: The variation(s) were confirmed by double pass sequencing of PCR products amplified from genomic DNA of colonic lesions fron colorectal patients

NM_182925.5(FLT4):c.2507G>A (p.Ser836Asn)

Genes: FLT4 (fms related receptor tyrosine kinase 4; minus strand), LOC126807632 (CDK7 strongly-dependent group 2 enhancer GRCh37_chr5:180046831-180048030; plus strand). Cytogenetic location: 5q35.3.
Variant type: single nucleotide variant.
Coding change: c.2507G>A on transcript NM_182925.5 (MANE Select); coding-DNA position 2507, G replaced by A.
Protein change: p.Ser836Asn; replaces serine 836 with asparagine.
Molecular consequence: missense variant.
Genome position (GRCh38, 1-based): chr5:180,620,208, C>T on the plus strand (G>A on the coding strand, the complement: FLT4 is on the minus strand). VCF-style: chr5-180620208-C-T. GRCh37 (hg19) VCF-style: chr5-180047208-C-T.
Other names: KM484812; c.2507G>A, p.Ser836Asn (NM_001354989.2, NM_002020.5); short protein forms S836N.
Identifiers: ClinVar variation 204343 (VCV000204343.3), dbSNP rs796052100, ClinGen allele CA251276.